The following is an entry in ClinVar:

ClinVar aggregate classification (germline): Uncertain significance (1 of 4 stars; one submission).

Conditions:
Hereditary cancer-predisposing syndrome. Also called: Hereditary Cancer Syndrome; Hereditary neoplastic syndrome; Neoplastic Syndromes, Hereditary; Tumor predisposition. Identifiers: Orphanet 140162, MedGen C0027672, MeSH D009386, MONDO:0015356.

Submission:

Ambry Genetics
Classification: Uncertain significance for Hereditary cancer-predisposing syndrome. Last evaluated: 2020-08-28. Review status: criteria provided, single submitter. Criteria: Ambry Variant Classification Scheme 2023. Collection method: clinical testing. Allele origin: germline.
Comment: The p.K328T variant (also known as c.983A>C), located in coding exon 8 of the RAD51C gene, results from an A to C substitution at nucleotide position 983. The lysine at codon 328 is replaced by threonine, an amino acid with similar properties. This amino acid position is highly conserved in available vertebrate species. In addition, the in silico prediction for this alteration is inconclusive. Since supporting evidence is limited at this time, the clinical significance of this alteration remains unclear.

NM_058216.3(RAD51C):c.983A>C (p.Lys328Thr)

Gene: RAD51C (RAD51 paralog C; plus strand). Cytogenetic location: 17q22.
Variant type: single nucleotide variant.
Coding change: c.983A>C on transcript NM_058216.3 (MANE Select); coding-DNA position 983, A replaced by C.
Protein change: p.Lys328Thr; replaces lysine 328 with threonine.
Molecular consequence: missense variant. On other transcripts: non-coding transcript variant (1).
Genome position (GRCh38, 1-based): chr17:58,732,501, A>C. VCF-style: chr17-58732501-A-C. GRCh37 (hg19) VCF-style: chr17-56809862-A-C.
Other names: c.*411A>C (NM_058217.1); short protein forms K328T.
Identifiers: ClinVar variation 1768350 (VCV001768350.2), dbSNP rs2144044979, ClinGen allele CA400364913.